The following is an entry in ClinVar:

ClinVar aggregate classification (germline): Uncertain significance. Review status: reviewed by expert panel (3 of 4 stars). 2 submissions from 2 submitters: Uncertain significance (1). 1 of the submissions does not count toward it. Last evaluated 2024-03-08.

Conditions:
Severe combined immunodeficiency due to DCLRE1C deficiency (RS-SCID). Also called: SCID, AUTOSOMAL RECESSIVE, T CELL-NEGATIVE, B CELL-NEGATIVE, NK CELL-POSITIVE, WITH SENSITIVITY TO IONIZING RADIATION. Identifiers: Orphanet 275, MedGen C1865371, MONDO:0011225, OMIM 602450.

Allele frequency attached by ClinVar (database versions not stated): gnomAD 0.00001; TOPMed 0.00002; ExAC 0.00003; gnomAD exomes 0.00003.
gnomAD v4.1: 44 of 1,613,858 alleles (0.0027%); highest among the groups gnomAD compares: Non-Finnish European, 0.0035%; no homozygotes.

Submissions (2):

ClinGen Severe Combined Immunodeficiency Variant Curation Expert Panel, ClinGen
Classification: Uncertain significance for Severe combined immunodeficiency due to DCLRE1C deficiency. Last evaluated: 2024-03-08. Review status: reviewed by expert panel. Criteria: ClinGen SCID ACMG Specifications DCLRE1C V1.0.0. Collection method: curation. Allele origin: germline. Inheritance: Autosomal recessive inheritance.
Comment: The c.106A>G(NM_001033855.3) variant in DCLRE1C is a missense variant predicted to cause the substitution of Lysine by Glutamic Acid at amino acid 36 (p.Lys36Glu). The filtering allele frequency (the upper threshold of the 95% CI of 41/1179924) of the c.106A>G variant in DCLRE1C is 0.00002626 for European (non-Finnish) chromosomes by gnomAD v4, which is lower than the ClinGen SCID VCEP threshold (<0.00003266) for PM2_Supporting, and therefore meets this criterion (PM2_Supporting). No homozygotes have been observed in gnomAD. To our knowledge, this variant has not been reported in the literature in individuals affected with DCLRE1C-related conditions or in functional studies. In summary, this variant meets the criteria to be classified as a variant of uncertain significance for autosomal recessive severe combined immunodeficiency due to DCLRE1C deficiency based on the ACMG/AMP criteria applied, as specified by the ClinGen SCID VCEP: PM2_Supporting (VCEP specifications version 1).

Labcorp Genetics (formerly Invitae), Labcorp
Classification: Uncertain significance for Athabaskan severe combined immunodeficiency. Last evaluated: 2021-09-17. Review status: criteria provided, single submitter. Criteria: Invitae Variant Classification Sherloc (09022015). Collection method: clinical testing. Allele origin: germline. Not counted in ClinVar's aggregate classification.
Comment: This sequence change replaces lysine with glutamic acid at codon 36 of the DCLRE1C protein (p.Lys36Glu). The lysine residue is highly conserved and there is a small physicochemical difference between lysine and glutamic acid. The frequency data for this variant in the population databases is considered unreliable, as metrics indicate poor data quality at this position in the ExAC database. This variant has not been reported in the literature in individuals with DCLRE1C-related conditions. Algorithms developed to predict the effect of missense changes on protein structure and function are either unavailable or do not agree on the potential impact of this missense change (SIFT: "Tolerated"; PolyPhen-2: "Probably Damaging"; Align-GVGD: "Class C0"). In summary, the available evidence is currently insufficient to determine the role of this variant in disease. Therefore, it has been classified as a Variant of Uncertain Significance.

NM_001033855.3(DCLRE1C):c.106A>G (p.Lys36Glu)

Gene: DCLRE1C (DNA cross-link repair 1C; minus strand). Cytogenetic location: 10p13.
Variant type: single nucleotide variant.
Coding change: c.106A>G on transcript NM_001033855.3 (MANE Select); coding-DNA position 106, A replaced by G.
Protein change: p.Lys36Glu; replaces lysine 36 with glutamic acid.
Molecular consequence: missense variant. On other transcripts: 5 prime UTR variant (9), non-coding transcript variant (4).
Genome position (GRCh38, 1-based): chr10:14,953,905, T>C on the plus strand (A>G on the coding strand, the complement: DCLRE1C is on the minus strand). VCF-style: chr10-14953905-T-C. GRCh37 (hg19) VCF-style: chr10-14995904-T-C.
Other names: NM_001033855.3(DCLRE1C):c.106A>G; p.Lys36Glu; c.-340A>G (NM_001033857.3, NM_001350967.2); c.-662A>G (NM_001033858.3); c.-99A>G (NM_001289076.2); c.-386A>G (NM_001289077.2); c.-132A>G (NM_001289078.2, NM_001350966.2); c.-708A>G (NM_001289079.2); and 2 more; short protein forms K36E.
Identifiers: ClinVar variation 2150998 (VCV002150998.1), dbSNP rs761990097, ClinGen allele CA5417034.
Genomic context (GRCh38, chr10:14,953,905, plus strand): 5'-TGTCCTCTCTCCAGCCCCCAGCGCCCCGGGAGCGGGCGACGCGCAGCCCTCACTCACCTT[T>C]GTGGCAGTGGGACAGGAAGTAGGCGCGGGCCCTCAGGTTCTCCCTATCGAAGCGGTCTAT-3'
Protein context (NP_001029027.1, residues 26-46): ARAYFLSHCH[Lys36Glu]DHMKGLRAPT